The following is an entry in ClinVar:

NM_007294.4(BRCA1):c.3892T>A (p.Ser1298Thr)

Genes: BRCA1 (BRCA1 DNA repair associated; minus strand), LOC126862571 (BRD4-independent group 4 enhancer GRCh37_chr17:41243136-41244335; plus strand). Cytogenetic location: 17q21.31.
Variant type: single nucleotide variant.
Coding change: c.3892T>A on transcript NM_007294.4 (MANE Select); coding-DNA position 3892, T replaced by A.
Protein change: p.Ser1298Thr; replaces serine 1298 with threonine.
Molecular consequence: missense variant. On other transcripts: intron variant (135).
Genome position (GRCh38, 1-based): chr17:43,091,639, A>T on the plus strand (T>A on the coding strand, the complement: BRCA1 is on the minus strand). VCF-style: chr17-43091639-A-T. GRCh37 (hg19) VCF-style: chr17-41243656-A-T.
Other names: c.3679T>A, p.Ser1227Thr (NM_001407571.1, NM_001407853.1, NM_001407894.1 and 9 more transcripts); c.3892T>A, p.Ser1298Thr (NM_001407581.1, NM_001407582.1, NM_001407583.1 and 30 more transcripts); c.3889T>A, p.Ser1297Thr (NM_001407587.1, NM_001407590.1, NM_001407591.1 and 22 more transcripts); c.3883T>A, p.Ser1295Thr (NM_001407646.1, NM_001407647.1); c.3769T>A, p.Ser1257Thr (NM_001407648.1, NM_001407664.1, NM_001407665.1 and 19 more transcripts); c.3766T>A, p.Ser1256Thr (NM_001407649.1, NM_001407670.1, NM_001407671.1 and 11 more transcripts); c.3814T>A, p.Ser1272Thr (NM_001407653.1, NM_001407654.1, NM_001407655.1 and 4 more transcripts); c.3811T>A, p.Ser1271Thr (NM_001407659.1, NM_001407660.1, NM_001407661.1 and 1 more transcripts); and 41 more; short protein forms S1251T, S1298T, S1171T, S1186T, S1187T, S1228T, S1230T, S1002T.
Identifiers: ClinVar variation 824347 (VCV000824347.14), dbSNP rs1597860615, ClinGen allele CA10594178.

ClinVar aggregate classification (germline): Conflicting classifications of pathogenicity. Review status: criteria provided, conflicting classifications (1 of 4 stars). 4 submissions from 4 submitters: Uncertain significance (3); Likely benign (1). Last evaluated 2024-05-17.

Conditions:
Hereditary cancer-predisposing syndrome. Also called: Neoplastic Syndromes, Hereditary; Tumor predisposition; Hereditary neoplastic syndrome; Hereditary Cancer Syndrome. Identifiers: Orphanet 140162, MedGen C0027672, MeSH D009386, MONDO:0015356.
Hereditary breast ovarian cancer syndrome. Also called: Hereditary breast and ovarian cancer syndrome; Hereditary breast and ovarian cancer; Hereditary breast and ovarian cancer syndrome (HBOC); Breast and ovarian cancer; Hereditary breast and/or ovarian cancer syndrome; BRCA1- and BRCA2-Associated Hereditary Breast and Ovarian Cancer. Identifiers: Orphanet 145, MedGen C0677776, MeSH D061325, MONDO:0003582. Disease mechanism: loss of function.
BRCA1-related cancer predisposition. Identifiers: MedGen CN377757, MONDO:0700268.

Submissions (4):

All of Us Research Program, National Institutes of Health
Classification: Uncertain significance for BRCA1-related cancer predisposition. Last evaluated: 2024-05-17. Review status: criteria provided, single submitter. Criteria: ACMG Guidelines, 2015. Collection method: clinical testing. Allele origin: germline. Inheritance: Autosomal dominant inheritance. Observed: 1 variant allele, 1 heterozygote.
Comment: This study involves interpretation of variants in research participants for the purpose of population health screening. Participant phenotype was not available at the time of variant classification. Additional details can be found in publication PMID: 35346344, PMCID: PMC8962531

University of Washington Department of Laboratory Medicine, University of Washington
Classification: Likely benign for Hereditary cancer-predisposing syndrome. Last evaluated: 2023-03-23. Review status: criteria provided, single submitter. Criteria: Dines et al. (Genet Med. 2020). Collection method: curation. Allele origin: germline.
Comment: Missense variant in a coldspot region where missense variants are very unlikely to be pathogenic (PMID:31911673).

BRCA1 coldspot (exon 11 using historical exon numbering). Reclassification based on statistical prior probability

Labcorp Genetics (formerly Invitae), Labcorp
Classification: Uncertain significance for Hereditary breast ovarian cancer syndrome. Last evaluated: 2022-10-07. Review status: criteria provided, single submitter. Criteria: Invitae Variant Classification Sherloc (09022015). Collection method: clinical testing. Allele origin: germline.
Comment: This sequence change replaces serine, which is neutral and polar, with threonine, which is neutral and polar, at codon 1298 of the BRCA1 protein (p.Ser1298Thr). This variant is not present in population databases (gnomAD no frequency). This variant has not been reported in the literature in individuals affected with BRCA1-related conditions. ClinVar contains an entry for this variant (Variation ID: 824347). Advanced modeling of protein sequence and biophysical properties (such as structural, functional, and spatial information, amino acid conservation, physicochemical variation, residue mobility, and thermodynamic stability) has been performed at Invitae for this missense variant, however the output from this modeling did not meet the statistical confidence thresholds required to predict the impact of this variant on BRCA1 protein function. In summary, the available evidence is currently insufficient to determine the role of this variant in disease. Therefore, it has been classified as a Variant of Uncertain Significance.

Ambry Genetics
Classification: Uncertain significance for Hereditary cancer-predisposing syndrome. Last evaluated: 2019-11-14. Review status: criteria provided, single submitter. Criteria: Ambry Variant Classification Scheme 2023. Collection method: clinical testing. Allele origin: germline.
Comment: The p.S1298T variant (also known as c.3892T>A), located in coding exon 9 of the BRCA1 gene, results from a T to A substitution at nucleotide position 3892. The serine at codon 1298 is replaced by threonine, an amino acid with similar properties. This amino acid position is highly conserved in available vertebrate species. In addition, this alteration is predicted to be deleterious by in silico analysis. Since supporting evidence is limited at this time, the clinical significance of this alteration remains unclear.